The following is an entry in ClinVar:

NM_001040108.2(MLH3):c.799C>G (p.Leu267Val)

Gene: MLH3 (mutL homolog 3; minus strand). Cytogenetic location: 14q24.3.
Variant type: single nucleotide variant.
Coding change: c.799C>G on transcript NM_001040108.2 (MANE Select); coding-DNA position 799, C replaced by G.
Protein change: p.Leu267Val; replaces leucine 267 with valine.
Molecular consequence: missense variant.
Genome position (GRCh38, 1-based): chr14:75,048,857, G>C on the plus strand (C>G on the coding strand, the complement: MLH3 is on the minus strand). VCF-style: chr14-75048857-G-C. GRCh37 (hg19) VCF-style: chr14-75515560-G-C.
Other names: c.799C>G, p.Leu267Val (NM_014381.3); short protein forms L267V.
Identifiers: ClinVar variation 2104615 (VCV002104615.4), dbSNP rs2139599000, ClinGen allele CA390449017.

ClinVar aggregate classification (germline): Uncertain significance (1 of 4 stars; one submission).

Conditions:
Colorectal cancer, hereditary nonpolyposis, type 7. Identifiers: Orphanet 144, MedGen C1858380, MONDO:0013725, OMIM 614385.

Submission:

Labcorp Genetics (formerly Invitae), Labcorp
Classification: Uncertain significance for Colorectal cancer, hereditary nonpolyposis, type 7. Last evaluated: 2022-02-28. Review status: criteria provided, single submitter. Criteria: Invitae Variant Classification Sherloc (09022015). Collection method: clinical testing. Allele origin: germline.
Comment: In summary, the available evidence is currently insufficient to determine the role of this variant in disease. Therefore, it has been classified as a Variant of Uncertain Significance. Algorithms developed to predict the effect of missense changes on protein structure and function (SIFT, PolyPhen-2, Align-GVGD) all suggest that this variant is likely to be tolerated. This variant has not been reported in the literature in individuals affected with MLH3-related conditions. This variant is not present in population databases (gnomAD no frequency). This sequence change replaces leucine, which is neutral and non-polar, with valine, which is neutral and non-polar, at codon 267 of the MLH3 protein (p.Leu267Val).